The following is an entry in ClinVar:

ClinVar aggregate classification (germline): Likely pathogenic (1 of 4 stars; one submission).

Conditions:
Hereditary spastic paraplegia 35. Also called: LEUKODYSTROPHY, DYSMYELINATING, AND SPASTIC PARAPARESIS WITH OR WITHOUT DYSTONIA; Spastic paraplegia 35, autosomal recessive; SPASTIC PARAPLEGIA 35, AUTOSOMAL RECESSIVE, WITH OR WITHOUT NEURODEGENERATION; Spastic paraplegia 35. Identifiers: Orphanet 171629, MedGen C3496228, MONDO:0012866, OMIM 612319.

Submission:

Institute of Human Genetics, University of Goettingen
Classification: Likely pathogenic for Hereditary spastic paraplegia 35. Last evaluated: 2022-05-20. Review status: criteria provided, single submitter. Criteria: ACMG Guidelines, 2015. Collection method: clinical testing. Allele origin: unknown. Inheritance: Autosomal recessive inheritance. Observed: 1 compound heterozygote.
Comment: For the following reasons, we consider only the heterozygous variant c.821C>A in the FA2H gene as a "variant of unclear significance" (VUS) with possibly pathogenic character, whereas the mutation c.115_121del is assessed by us as probably pathogenic: a comparison with the gnomAD browser did not provide any evidence that these sequence changes are norm variants detectable also in non-affected individuals. Neither variant is currently listed in ClinVar or the HGMD database; the c.115_121del mutation (most)likely results in a truncated protein; the c.821C>A sequence variant is independently classified as defective by four prediction programs; the following ACMG criteria were applied for classification: - c.115_121del (p.(Phe39Glyfs*58)): PVS1_Very Strong, PM2. - c.821C>A (p.(Pro274His)): PM1, PM2, PP3, BP1.

NM_024306.5(FA2H):c.115_121del (p.Phe39fs)

Genes: FA2H (fatty acid 2-hydroxylase; minus strand), LOC130059394 (ATAC-STARR-seq lymphoblastoid silent region 7701; plus strand). Cytogenetic location: 16q23.1.
Variant type: Deletion.
Coding change: c.115_121del on transcript NM_024306.5 (MANE Select); coding-DNA positions 115 to 121, 7 bases deleted (TTCGTGC; older notation c.115_121delTTCGTGC).
Protein change: p.Phe39fs; shifts the reading frame from phenylalanine 39.
Molecular consequence: frameshift variant.
Genome position (GRCh38, 1-based): chr16:74,774,635-74,774,641, GCACGAA deleted on the plus strand (TTCGTGC on the coding strand, the reverse complement: FA2H is on the minus strand); deleting any 7 consecutive bases within chr16:74,774,635-74,774,643 gives the same sequence; the c. name uses the placement nearest the transcript's 3' end. VCF-style (leftmost placement, unchanged base first): chr16-74774634-CGCACGAA-C. GRCh37 (hg19) VCF-style: chr16-74808532-CGCACGAA-C.
Other names: short protein forms F39fs.
Identifiers: ClinVar variation 1684571 (VCV001684571.1), dbSNP rs2144672568, ClinGen allele CA2573152640.